The following is an entry in ClinVar:

NM_002108.4(HAL):c.1800C>T (p.Ile600=)

Gene: HAL (histidine ammonia-lyase; minus strand). Cytogenetic location: 12q23.1.
Variant type: single nucleotide variant.
Coding change: c.1800C>T on transcript NM_002108.4 (MANE Select); coding-DNA position 1800, C replaced by T.
Protein change: p.Ile600=; no amino-acid change (isoleucine 600 retained).
Molecular consequence: synonymous variant. On other transcripts: intron variant (1).
Genome position (GRCh38, 1-based): chr12:95,976,462, G>A on the plus strand (C>T on the coding strand, the complement: HAL is on the minus strand). VCF-style: chr12-95976462-G-A. GRCh37 (hg19) VCF-style: chr12-96370240-G-A.
Other names: c.1176C>T, p.Ile392= (NM_001258333.2); c.1763+136C>T (NM_001258334.2).
Identifiers: ClinVar variation 3042715 (VCV003042715.2), dbSNP rs137860207, ClinGen allele CA6727418.

ClinVar aggregate classification (germline): Likely benign (0 of 4 stars; one submission).

Conditions:
HAL-related disorder. Also called: HAL-related condition.

Allele frequency attached by ClinVar (database versions not stated): TOPMed 0.00002; ExAC 0.00003; gnomAD 0.00003; ESP Exome Variant Server 0.00015.
gnomAD v4.1: 30 of 1,613,914 alleles (0.0019%); highest among the groups gnomAD compares: South Asian, 0.018%; no homozygotes.

Submission:

PreventionGenetics, part of Exact Sciences
Classification: Likely benign for HAL-related condition. Last evaluated: 2019-06-24. Review status: no assertion criteria provided. Collection method: clinical testing. Allele origin: germline.
Comment: This variant is classified as likely benign based on ACMG/AMP sequence variant interpretation guidelines (Richards et al. 2015 PMID: 25741868, with internal and published modifications).